The following is an entry in ClinVar:

NM_019098.5(CNGB3):c.2101C>T (p.Gln701Ter)

Gene: CNGB3 (cyclic nucleotide gated channel subunit beta 3; minus strand). Cytogenetic location: 8q21.3.
Variant type: single nucleotide variant.
Coding change: c.2101C>T on transcript NM_019098.5 (MANE Select); coding-DNA position 2101, C replaced by T.
Protein change: p.Gln701Ter; replaces glutamine 701 with a stop codon.
Molecular consequence: nonsense.
Genome position (GRCh38, 1-based): chr8:86,578,691, G>A on the plus strand (C>T on the coding strand, the complement: CNGB3 is on the minus strand). VCF-style: chr8-86578691-G-A. GRCh37 (hg19) VCF-style: chr8-87590919-G-A.
Other names: short protein forms Q701*.
Identifiers: ClinVar variation 554993 (VCV000554993.3), dbSNP rs1554604769, ClinGen allele CA371447162.

ClinVar aggregate classification (germline): Likely pathogenic. Review status: criteria provided, single submitter (1 of 4 stars). 2 submissions from 2 submitters: Likely pathogenic (1). 1 of the submissions does not count toward it. Last evaluated 2024-05-29.

Conditions:
Achromatopsia. Also called: Rod monochromatism. Identifiers: Orphanet 49382, MedGen C0152200, MONDO:0018852, HP:0011516.
Achromatopsia 3 (ACHM3). Also called: PINGELAPESE BLINDNESS; TOTAL COLORBLINDNESS WITH MYOPIA; ROD MONOCHROMACY 1; ROD MONOCHROMATISM 1; ACHROMATOPSIA WITH MYOPIA. Identifiers: Orphanet 49382, MedGen C1849792, MONDO:0009875, OMIM 262300.

Allele frequency attached by ClinVar (database versions not stated): gnomAD exomes below 0.00001.
gnomAD v4.1: 2 of 1,613,830 alleles (0.00012%); highest among the groups gnomAD compares: Non-Finnish European, 0.00017%; no homozygotes.

Submissions (2):

Natera, Inc.
Classification: Likely pathogenic for Achromatopsia. Last evaluated: 2024-05-29. Review status: criteria provided, single submitter. Criteria: Natera Variant Classification Schema (03/2026). Collection method: clinical testing. Allele origin: germline.
Comment: The c.2101C>T variant in CNGB3 is a nonsense variant predicted to introduce a stop codon at amino acid 701. This variant is expected to result in nonsense mediated decay, truncation, or a dysfunctional protein product. This variant is rare in the general population with a frequency below the threshold expected for the associated phenotype(s). Given the available evidence, this variant is classified as Likely Pathogenic.

Counsyl
Classification: Uncertain significance for Achromatopsia 3. Last evaluated: 2017-11-10. Review status: no assertion criteria provided. Collection method: clinical testing. Allele origin: unknown. Not counted in ClinVar's aggregate classification.